The following is an entry in ClinVar:

ClinVar aggregate classification (germline): Benign/Likely benign. Review status: criteria provided, multiple submitters, no conflicts (2 of 4 stars). 4 submissions from 4 submitters: Benign (1); Likely benign (2). 1 of the submissions does not count toward it. Last evaluated 2026-01-27.

Conditions:
CCDC78-related disorder. Also called: CCDC78-related condition.
Congenital myopathy with internal nuclei and atypical cores. Also called: Myopathy, centronuclear, 4. Identifiers: Orphanet 319160, MedGen C4707232, MONDO:0013890, OMIM 614807.

Allele frequency attached by ClinVar (database versions not stated): gnomAD exomes 0.00046 and 0.00136; ExAC 0.00158; 1000 Genomes Project 0.00399; gnomAD 0.00431 and 0.00468; ESP Exome Variant Server 0.00454; 1000 Genomes Project 30x 0.00468; TOPMed 0.00504.
gnomAD v4.1: 1,373 of 1,611,818 alleles (0.085%); highest among the groups gnomAD compares: African/African-American, 1.5%; 15 homozygotes.

Submissions (4):

Labcorp Genetics (formerly Invitae), Labcorp
Classification: Benign for Congenital myopathy with internal nuclei and atypical cores. Last evaluated: 2026-01-27. Review status: criteria provided, single submitter. Criteria: Invitae Variant Classification Sherloc (09022015). Collection method: clinical testing. Allele origin: germline.

Athena Diagnostics
Classification: Likely benign. Last evaluated: 2025-01-06. Review status: criteria provided, single submitter. Criteria: Athena Diagnostics Criteria. Collection method: clinical testing. Allele origin: unknown.
Comment: The frequency of this variant in the general population is higher than would generally be expected for pathogenic variants in this gene.

Breakthrough Genomics
Classification: Likely benign. Review status: criteria provided, single submitter. Criteria: ACMG Guidelines, 2015. Collection method: not provided. Allele origin: germline. Inheritance: Autosomal dominant inheritance. Affected: yes.

PreventionGenetics, part of Exact Sciences
Classification: Benign for CCDC78-related condition. Last evaluated: 2024-03-11. Review status: no assertion criteria provided. Collection method: clinical testing. Allele origin: germline. Not counted in ClinVar's aggregate classification.
Comment: This variant is classified as benign based on ACMG/AMP sequence variant interpretation guidelines (Richards et al. 2015 PMID: 25741868, with internal and published modifications).

NM_001378030.1(CCDC78):c.889C>T (p.Arg297Cys)

Gene: CCDC78 (coiled-coil domain containing 78; minus strand). Cytogenetic location: 16p13.3.
Variant type: single nucleotide variant.
Coding change: c.889C>T on transcript NM_001378030.1 (MANE Select); coding-DNA position 889, C replaced by T.
Protein change: p.Arg297Cys; replaces arginine 297 with cysteine.
Molecular consequence: missense variant. On other transcripts: non-coding transcript variant (5).
Genome position (GRCh38, 1-based): chr16:724,386, G>A on the plus strand (C>T on the coding strand, the complement: CCDC78 is on the minus strand). VCF-style: chr16-724386-G-A. GRCh37 (hg19) VCF-style: chr16-774386-G-A.
Other names: c.889C>T, p.Arg297Cys (NM_001031737.3, NM_001378031.1); c.322C>T, p.Arg108Cys (NM_001378033.1); short protein forms R297C, R108C.
Identifiers: ClinVar variation 473269 (VCV000473269.17), dbSNP rs61998220, ClinGen allele CA7789363.